The following is an entry in ClinVar:

ClinVar aggregate classification (germline): Benign/Likely benign. Review status: criteria provided, multiple submitters, no conflicts (2 of 4 stars). 5 submissions from 5 submitters: Benign (1); Likely benign (4). Last evaluated 2026-08-12.

Conditions:
FLCN-related disorder. Also called: FLCN-related condition.
Hereditary cancer-predisposing syndrome. Also called: Neoplastic Syndromes, Hereditary; Tumor predisposition; Hereditary Cancer Syndrome; Hereditary neoplastic syndrome. Identifiers: Orphanet 140162, MedGen C0027672, MeSH D009386, MONDO:0015356.
Birt-Hogg-Dube syndrome. Also called: Birt Hogg Dubé syndrome. Identifiers: Orphanet 122, MedGen C0346010, MONDO:0800444.
Birt-Hogg-Dube syndrome 1 (BHD1). Also called: FIBROFOLLICULOMAS WITH TRICHODISCOMAS AND ACROCHORDONS. Identifiers: Orphanet 122, MedGen CN375946, MONDO:0800445, OMIM 135150.

Allele frequency attached by ClinVar (database versions not stated): gnomAD 0.00002; TOPMed 0.00002; gnomAD exomes 0.00003 and 0.00005; ExAC 0.00004.
gnomAD v4.1: 85 of 1,613,992 alleles (0.0053%); highest among the groups gnomAD compares: South Asian, 0.0066%; no homozygotes.

Submissions (5):

PreventionGenetics, part of Exact Sciences
Classification: Likely benign for FLCN-related condition. Last evaluated: 2026-08-12. Review status: criteria provided, single submitter. Criteria: ACMG Guidelines, 2015. Collection method: clinical testing. Allele origin: germline.
Comment: This variant is classified as likely benign based on ACMG/AMP sequence variant interpretation guidelines (Richards et al. 2015 PMID: 25741868, with internal and published modifications).

Labcorp Genetics (formerly Invitae), Labcorp
Classification: Likely benign for Birt-Hogg-Dube syndrome. Last evaluated: 2025-12-30. Review status: criteria provided, single submitter. Criteria: Invitae Variant Classification Sherloc (09022015). Collection method: clinical testing. Allele origin: germline.

Center for Genomic Medicine, Rigshospitalet, Copenhagen University Hospital
Classification: Likely benign. Last evaluated: 2025-12-29. Review status: criteria provided, single submitter. Criteria: ACMG Guidelines, 2015. Collection method: clinical testing. Allele origin: germline.

Myriad Genetics, Inc.
Classification: Benign for Birt-Hogg-Dube syndrome 1. Last evaluated: 2024-10-28. Review status: criteria provided, single submitter. Criteria: Myriad Autosomal Dominant, Autosomal Recessive and X-Linked Classification Criteria (2023). Collection method: clinical testing. Allele origin: unknown.
Comment: This variant is considered benign. This variant is a silent/synonymous amino acid change and it is not expected to impact splicing.

Ambry Genetics
Classification: Likely benign for Hereditary cancer-predisposing syndrome. Last evaluated: 2020-06-30. Review status: criteria provided, single submitter. Criteria: Ambry Variant Classification Scheme 2023. Collection method: clinical testing. Allele origin: germline.

NM_144997.7(FLCN):c.1725G>A (p.Ser575=)

Gene: FLCN (folliculin; minus strand). Cytogenetic location: 17p11.2.
Variant type: single nucleotide variant.
Coding change: c.1725G>A on transcript NM_144997.7 (MANE Select); coding-DNA position 1725, G replaced by A.
Protein change: p.Ser575=; no amino-acid change (serine 575 retained).
Molecular consequence: synonymous variant.
Genome position (GRCh38, 1-based): chr17:17,213,670, C>T on the plus strand (G>A on the coding strand, the complement: FLCN is on the minus strand). VCF-style: chr17-17213670-C-T. GRCh37 (hg19) VCF-style: chr17-17116984-C-T.
Other names: c.1779G>A, p.Ser593= (NM_001353229.2); c.1725G>A, p.Ser575= (NM_001353230.2, NM_001353231.2).
Identifiers: ClinVar variation 707812 (VCV000707812.15), dbSNP rs760307957, ClinGen allele CA8415907.